The following is an entry in ClinVar:

ClinVar aggregate classification (germline): Likely pathogenic. Review status: criteria provided, single submitter (1 of 4 stars). 2 submissions from 2 submitters: Likely pathogenic (1). 1 of the submissions does not count toward it. Last evaluated 2017-01-09.

Conditions:
Intellectual developmental disorder with dysmorphic facies, seizures, and distal limb anomalies (IDDFSDA). Identifiers: Orphanet 505237, MedGen C4479520, MONDO:0044319, OMIM 617452.
Dysmorphic features. Identifiers: MedGen C0432072.
Intellectual disability. Also called: intellectual disabilities; Intellectual functioning disability; Intellectual developmental disorder. Identifiers: MedGen C3714756, MeSH D008607, MONDO:0001071, HP:0001249.
Epilepsy. Also called: Seizure disorder. Identifiers: MedGen C0014544, MeSH D004827, MONDO:0005027.

Allele frequency attached by ClinVar (database versions not stated): gnomAD exomes below 0.00001.
gnomAD v4.1: 2 of 1,603,622 alleles (0.00012%); highest among the groups gnomAD compares: South Asian, 0.0022%; no homozygotes.

Submissions (2):

Baylor Genetics
Classification: Likely pathogenic for Intellectual disability; Epilepsy; Dysmorphic features. Last evaluated: 2017-01-09. Review status: criteria provided, single submitter. Criteria: ACMG Guidelines, 2015. Collection method: research. Allele origin: inherited. Inheritance: Autosomal recessive inheritance. Affected: yes. Observed: 3 variant alleles, 3 homozygotes. Clinical features observed: Mild intellectual disability, Seizure, Narrow face, Long face, High palate.

OMIM
Classification: Pathogenic for INTELLECTUAL DEVELOPMENTAL DISORDER WITH DYSMORPHIC FACIES, SEIZURES, AND DISTAL LIMB ANOMALIES. Last evaluated: 2017-05-03. Review status: no assertion criteria provided. Collection method: literature only. Allele origin: germline. Not counted in ClinVar's aggregate classification.

Literature cited by the submitters: PubMed 28343629 (cited by OMIM).

NM_016023.5(OTUD6B):c.557A>G (p.Tyr186Cys)

Gene: OTUD6B (OTU deubiquitinase 6B; plus strand). Cytogenetic location: 8q21.3.
Variant type: single nucleotide variant.
Coding change: c.557A>G on transcript NM_016023.5 (MANE Select); coding-DNA position 557, A replaced by G.
Protein change: p.Tyr186Cys; replaces tyrosine 186 with cysteine.
Molecular consequence: missense variant.
Genome position (GRCh38, 1-based): chr8:91,078,597, A>G. VCF-style: chr8-91078597-A-G. GRCh37 (hg19) VCF-style: chr8-92090825-A-G.
Other names: Y216C; c.254A>G, p.Tyr85Cys (NM_001286745.3); short protein forms Y85C, Y186C.
Identifiers: ClinVar variation 375704 (VCV000375704.2), dbSNP rs1064797103, ClinGen allele CA16616848.
Genomic context (GRCh38, chr8:91,078,597, plus strand): 5'-AACTGAAAGAAAAGGATTGTGCTCTGACTGTGGTTGCCTTGAGAAGTCAGACCGCTGAGT[A>G]TATGCAAAGCCATGTGGAAGACTTTCTGCCATTTTTAACAAACCCTAATACAGGAGATAT-3'
Protein context (NP_057107.4, residues 176-196): VVALRSQTAE[Tyr186Cys]MQSHVEDFLP